The following is an entry in ClinVar:

NM_000548.5(TSC2):c.3082G>C (p.Asp1028His)

Gene: TSC2 (TSC complex subunit 2; plus strand). Cytogenetic location: 16p13.3.
Variant type: single nucleotide variant.
Coding change: c.3082G>C on transcript NM_000548.5 (MANE Select); coding-DNA position 3082, G replaced by C.
Protein change: p.Asp1028His; replaces aspartic acid 1028 with histidine.
Molecular consequence: missense variant. On other transcripts: non-coding transcript variant (5).
Genome position (GRCh38, 1-based): chr16:2,079,147, G>C. VCF-style: chr16-2079147-G-C. GRCh37 (hg19) VCF-style: chr16-2129148-G-C.
Other names: c.2893G>C, p.Asp965His (NM_001406677.1); c.2839G>C, p.Asp947His (NM_001406678.1); c.2803G>C, p.Asp935His (NM_001406679.1); c.2482G>C, p.Asp828His (NM_001406680.1, NM_001406682.1, NM_001406683.1); c.2491G>C, p.Asp831His (NM_001406681.1); c.2479G>C, p.Asp827His (NM_001406684.1); c.2353G>C, p.Asp785His (NM_001406685.1, NM_001406686.1); c.2950G>C, p.Asp984His (NM_001077183.3, NM_001370404.1, NM_001406665.1); and 18 more; short protein forms D537H, D784H, D785H, D831H, D936H, D947H, D948H, D828H.
Identifiers: ClinVar variation 4826082 (VCV004826082.2).

ClinVar aggregate classification (germline): Uncertain significance (1 of 4 stars; one submission).

Conditions:
Hereditary cancer-predisposing syndrome. Also called: Hereditary neoplastic syndrome; Neoplastic Syndromes, Hereditary; Tumor predisposition; Hereditary Cancer Syndrome. Identifiers: Orphanet 140162, MedGen C0027672, MeSH D009386, MONDO:0015356.

Submission:

Ambry Genetics
Classification: Uncertain significance for Hereditary cancer-predisposing syndrome. Last evaluated: 2026-05-01. Review status: criteria provided, single submitter. Criteria: Ambry Variant Classification Scheme 2023. Collection method: clinical testing. Allele origin: germline.
Comment: The p.D1028H variant (also known as c.3082G>C), located in coding exon 26 of the TSC2 gene, results from a G to C substitution at nucleotide position 3082. The aspartic acid at codon 1028 is replaced by histidine, an amino acid with similar properties. This amino acid position is conserved. In addition, this alteration is predicted to be deleterious by in silico analysis. Based on the available evidence, the clinical significance of this variant remains unclear.